The following is an entry in ClinVar:

NM_015001.3(SPEN):c.748T>C (p.Ser250Pro)

Gene: SPEN (spen family transcriptional repressor; plus strand). Cytogenetic location: 1p36.21.
Variant type: single nucleotide variant.
Coding change: c.748T>C on transcript NM_015001.3 (MANE Select); coding-DNA position 748, T replaced by C.
Protein change: p.Ser250Pro; replaces serine 250 with proline.
Molecular consequence: missense variant.
Genome position (GRCh38, 1-based): chr1:15,876,545, T>C. VCF-style: chr1-15876545-T-C. GRCh37 (hg19) VCF-style: chr1-16203040-T-C.
Other names: short protein forms S250P.
Identifiers: ClinVar variation 5037301 (VCV005037301.1).
Genomic context (GRCh38, chr1:15,876,545, plus strand): 5'-GGCAGAAGGCCAGAGCGGAATTACCAGCACAGCAGGAGTCGGTCACCACATTCATCCCAG[T>C]CTAGAAATCAGTCTCCTCAGAGACTGGCTAGCCAAGCATCTAGACCCACAAGGTCCCCTA-3'
Protein context (NP_055816.2, residues 240-260): SRSRSPHSSQ[Ser250Pro]RNQSPQRLAS

ClinVar aggregate classification (germline): Uncertain significance (1 of 4 stars; one submission).

Submission:

GeneDx
Classification: Uncertain significance. Last evaluated: 2026-04-19. Review status: criteria provided, single submitter. Criteria: GeneDx Variant Classification Process June 2021. Collection method: clinical testing. Allele origin: germline.
Comment: Not observed at significant frequency in large population cohorts (gnomAD); In silico analysis supports that this missense variant has a deleterious effect on protein structure/function; Has not been previously published as pathogenic or benign to our knowledge